The following is an entry in ClinVar:

NM_000158.4(GBE1):c.430-1G>C

Gene: GBE1 (1,4-alpha-glucan branching enzyme 1; minus strand). Cytogenetic location: 3p12.2.
Variant type: single nucleotide variant.
Coding change: c.430-1G>C on transcript NM_000158.4 (MANE Select); the canonical splice acceptor site of the intron before coding-DNA position 430, G replaced by C.
Molecular consequence: splice acceptor variant.
Genome position (GRCh38, 1-based): chr3:81,649,922, C>G on the plus strand (G>C on the coding strand, the complement: GBE1 is on the minus strand). VCF-style: chr3-81649922-C-G. GRCh37 (hg19) VCF-style: chr3-81699073-C-G.
Identifiers: ClinVar variation 2089245 (VCV002089245.5), dbSNP rs2471828509, ClinGen allele CA353688796.

ClinVar aggregate classification (germline): Likely pathogenic. Review status: criteria provided, multiple submitters, no conflicts (2 of 4 stars). 2 submissions from 2 submitters: Likely pathogenic (2). Last evaluated 2023-07-29.

Conditions:
Glycogen storage disease, type IV (GSD4). Also called: Glycogen storage disease due to glycogen branching enzyme deficiency; AMYLOPECTINOSIS; ANDERSEN DISEASE; BRANCHER DEFICIENCY; CIRRHOSIS, FAMILIAL, WITH DEPOSITION OF ABNORMAL GLYCOGEN; GBE1 DEFICIENCY. Identifiers: Orphanet 367, MedGen C0017923, MONDO:0009292, OMIM 232500.
Glycogen storage disease IV, classic hepatic. Also called: GSD IV, CLASSIC HEPATIC. Identifiers: MedGen C1856301.

Submissions (2):

Baylor Genetics
Classification: Likely pathogenic for Glycogen storage disease, type IV. Last evaluated: 2023-07-29. Review status: criteria provided, single submitter. Criteria: ACMG Guidelines, 2015. Collection method: clinical testing. Allele origin: unknown.

Labcorp Genetics (formerly Invitae), Labcorp
Classification: Likely pathogenic for Glycogen storage disease, type IV; Glycogen storage disease IV, classic hepatic. Last evaluated: 2022-04-14. Review status: criteria provided, single submitter. Criteria: Invitae Variant Classification Sherloc (09022015). Collection method: clinical testing. Allele origin: germline.
Comment: In summary, the currently available evidence indicates that the variant is pathogenic, but additional data are needed to prove that conclusively. Therefore, this variant has been classified as Likely Pathogenic. Algorithms developed to predict the effect of sequence changes on RNA splicing suggest that this variant may disrupt the consensus splice site. This variant has not been reported in the literature in individuals affected with GBE1-related conditions. This variant is not present in population databases (gnomAD no frequency). This sequence change affects an acceptor splice site in intron 3 of the GBE1 gene. It is expected to disrupt RNA splicing. Variants that disrupt the donor or acceptor splice site typically lead to a loss of protein function (PMID: 16199547), and loss-of-function variants in GBE1 are known to be pathogenic (PMID: 15452297, 20058079).

Literature cited by the submitters: PubMed 16199547 (cited by Labcorp Genetics (formerly Invitae), Labcorp); PubMed 15452297 (cited by Labcorp Genetics (formerly Invitae), Labcorp); PubMed 20058079 (cited by Labcorp Genetics (formerly Invitae), Labcorp).